The following is an entry in ClinVar:

NM_001256012.3(MYH10):c.590A>T (p.His197Leu)

Gene: MYH10 (myosin heavy chain 10; minus strand). Cytogenetic location: 17p13.1.
Variant type: single nucleotide variant.
Coding change: c.590A>T on transcript NM_001256012.3 (MANE Select); coding-DNA position 590, A replaced by T.
Protein change: p.His197Leu; replaces histidine 197 with leucine.
Molecular consequence: missense variant.
Genome position (GRCh38, 1-based): chr17:8,577,279, T>A on the plus strand (A>T on the coding strand, the complement: MYH10 is on the minus strand). VCF-style: chr17-8577279-T-A. GRCh37 (hg19) VCF-style: chr17-8480597-T-A.
Other names: c.590A>T, p.His197Leu (NM_001256095.2, NM_001375266.1, NM_005964.5); short protein forms H197L.
Identifiers: ClinVar variation 5002244 (VCV005002244.1).

ClinVar aggregate classification (germline): Uncertain significance (1 of 4 stars; one submission).

Conditions:
MYH10-related disorder. Also called: MYH10-related condition.

Submission:

PreventionGenetics, part of Exact Sciences
Classification: Uncertain significance for MYH10-related condition. Last evaluated: 2026-07-10. Review status: criteria provided, single submitter. Criteria: ACMG Guidelines, 2015. Collection method: clinical testing. Allele origin: germline.
Comment: The MYH10 c.590A>T variant is predicted to result in the amino acid substitution p.His197Leu. To our knowledge, this variant has not been reported in the literature or in a large population database (gnomAD), indicating this variant is rare. At this time, the clinical significance of this variant is uncertain due to the absence of conclusive functional and genetic evidence.